The following is an entry in ClinVar:

ClinVar aggregate classification (germline): Uncertain significance (1 of 4 stars; one submission).

Conditions:
Kabuki syndrome 2 (KABUK2). Also called: KDM6A-Related Kabuki Syndrome. Identifiers: Orphanet 2322, MedGen C3275495, MONDO:0010465, OMIM 300867.

Submission:

Labcorp Genetics (formerly Invitae), Labcorp
Classification: Uncertain significance for Kabuki syndrome 2. Last evaluated: 2023-12-19. Review status: criteria provided, single submitter. Criteria: Invitae Variant Classification Sherloc (09022015). Collection method: clinical testing. Allele origin: germline.
Comment: This sequence change replaces glycine, which is neutral and non-polar, with aspartic acid, which is acidic and polar, at codon 793 of the KDM6A protein (p.Gly793Asp). This variant is not present in population databases (gnomAD no frequency). This variant has not been reported in the literature in individuals affected with KDM6A-related conditions. Advanced modeling of protein sequence and biophysical properties (such as structural, functional, and spatial information, amino acid conservation, physicochemical variation, residue mobility, and thermodynamic stability) performed at Invitae indicates that this missense variant is not expected to disrupt KDM6A protein function with a negative predictive value of 80%. In summary, the available evidence is currently insufficient to determine the role of this variant in disease. Therefore, it has been classified as a Variant of Uncertain Significance.

NM_001291415.2(KDM6A):c.2534G>A (p.Gly845Asp)

Gene: KDM6A (lysine demethylase 6A; plus strand). Cytogenetic location: Xp11.3.
Variant type: single nucleotide variant.
Coding change: c.2534G>A on transcript NM_001291415.2 (MANE Select); coding-DNA position 2534, G replaced by A.
Protein change: p.Gly845Asp; replaces glycine 845 with aspartic acid.
Molecular consequence: missense variant. On other transcripts: non-coding transcript variant (1).
Genome position (GRCh38, 1-based): chrX:45,070,033, G>A. VCF-style: chrX-45070033-G-A. GRCh37 (hg19) VCF-style: chrX-44929278-G-A.
Other names: c.2399G>A, p.Gly800Asp (NM_001419811.1, NM_001291416.2); c.2378G>A, p.Gly793Asp (NM_001419812.1, NM_021140.4); c.2432G>A, p.Gly811Asp (NM_001419813.1, NM_001419810.1); c.2276G>A, p.Gly759Asp (NM_001419814.1, NM_001410742.1); c.2141G>A, p.Gly714Asp (NM_001419815.1, NM_001291418.2); c.1490G>A, p.Gly497Asp (NM_001291421.2); c.2534G>A, p.Gly845Asp (NM_001419809.1); c.2243G>A, p.Gly748Asp (NM_001291417.2); short protein forms G714D, G811D, G497D, G748D, G800D, G845D, G759D, G793D.
Identifiers: ClinVar variation 2785286 (VCV002785286.3), dbSNP rs2148048724, ClinGen allele CA412794789.